The following is an entry in ClinVar:

ClinVar aggregate classification (germline): Pathogenic. Review status: criteria provided, multiple submitters, no conflicts (2 of 4 stars). 2 submissions from 2 submitters: Pathogenic (2). Last evaluated 2025-09-29.

Conditions:
Familial adenomatous polyposis 4 (FAP4). Also called: MSH3-related attenuated familial adenomatous polyposis. Identifiers: Orphanet 480536, MedGen C4310719, MONDO:0044300, OMIM 617100.
Hereditary cancer-predisposing syndrome. Also called: Tumor predisposition; Hereditary neoplastic syndrome; Neoplastic Syndromes, Hereditary; Hereditary Cancer Syndrome. Identifiers: Orphanet 140162, MedGen C0027672, MeSH D009386, MONDO:0015356.

Submissions (2):

Ambry Genetics
Classification: Pathogenic for Hereditary cancer-predisposing syndrome. Last evaluated: 2025-09-29. Review status: criteria provided, single submitter. Criteria: Ambry Variant Classification Scheme 2023. Collection method: clinical testing. Allele origin: germline.
Comment: The c.708_711delCATA pathogenic mutation, located in coding exon 4 of the MSH3 gene, results from a deletion of 4 nucleotides at nucleotide positions 708 to 711, causing a translational frameshift with a predicted alternate stop codon (p.Y236*). This variant is considered to be rare based on population cohorts in the Genome Aggregation Database (gnomAD). This alteration is expected to result in loss of function by premature protein truncation or nonsense-mediated mRNA decay. As such, this alteration is interpreted as a disease-causing mutation.

Myriad Genetics, Inc.
Classification: Pathogenic for Familial adenomatous polyposis 4. Last evaluated: 2023-08-29. Review status: criteria provided, single submitter. Criteria: Myriad Autosomal Dominant, Autosomal Recessive and X-Linked Classification Criteria (2023). Collection method: clinical testing. Allele origin: unknown.
Comment: This variant is considered pathogenic. This variant creates a termination codon and is predicted to result in premature protein truncation.

NM_002439.5(MSH3):c.708_711del (p.Gln235_Tyr236insTer)

Gene: MSH3 (mutS homolog 3; plus strand). Cytogenetic location: 5q14.1.
Variant type: Deletion.
Coding change: c.708_711del on transcript NM_002439.5 (MANE Select); coding-DNA positions 708 to 711, 4 bases deleted (CATA; older notation c.708_711delCATA).
Protein change: p.Gln235_Tyr236insTer.
Molecular consequence: nonsense.
Genome position (GRCh38, 1-based): chr5:80,670,225-80,670,228, CATA deleted; deleting any 4 consecutive bases within chr5:80,670,222-80,670,228 gives the same sequence; the c. name uses the placement nearest the transcript's 3' end. VCF-style (leftmost placement, unchanged base first): chr5-80670221-AATAC-A. GRCh37 (hg19) VCF-style: chr5-79966040-AATAC-A.
Other names: c.708_711delCATA (NM_002439.3).
Identifiers: ClinVar variation 2673564 (VCV002673564.2), dbSNP rs2546721164, ClinGen allele CA2695198645.